The following is an entry in ClinVar:

ClinVar aggregate classification (germline): Conflicting classifications of pathogenicity. Review status: criteria provided, conflicting classifications (1 of 4 stars). 2 submissions from 2 submitters: Uncertain significance (1); Likely benign (1). Last evaluated 2025-10-06.

Conditions:
Gastrointestinal stromal tumor. Also called: Gastrointestinal stromal tumor, somatic; Gastrointestinal stroma tumor. Identifiers: Orphanet 44890, MedGen C0238198, MeSH D046152, MONDO:0011719, OMIM 606764, HP:0100723.
Hereditary cancer-predisposing syndrome. Also called: Hereditary neoplastic syndrome; Neoplastic Syndromes, Hereditary; Hereditary Cancer Syndrome; Tumor predisposition. Identifiers: Orphanet 140162, MedGen C0027672, MeSH D009386, MONDO:0015356.

Allele frequency attached by ClinVar (database versions not stated): TOPMed below 0.00001; ExAC 0.00001; gnomAD 0.00001; gnomAD exomes 0.00001.
gnomAD v4.1: 16 of 1,614,040 alleles (0.00099%); highest among the groups gnomAD compares: Admixed American, 0.0017%; no homozygotes.

Submissions (2):

Labcorp Genetics (formerly Invitae), Labcorp
Classification: Uncertain significance for Gastrointestinal stromal tumor. Last evaluated: 2025-10-06. Review status: criteria provided, single submitter. Criteria: Invitae Variant Classification Sherloc (09022015). Collection method: clinical testing. Allele origin: germline.
Comment: This sequence change replaces arginine, which is basic and polar, with cysteine, which is neutral and slightly polar, at codon 49 of the KIT protein (p.Arg49Cys). This variant is present in population databases (rs759250095, gnomAD 0.004%). This variant has not been reported in the literature in individuals affected with KIT-related conditions. ClinVar contains an entry for this variant (Variation ID: 965770). An algorithm developed to predict the effect of missense changes on protein structure and function (PolyPhen-2) suggests that this variant is likely to be disruptive. In summary, the available evidence is currently insufficient to determine the role of this variant in disease. Therefore, it has been classified as a Variant of Uncertain Significance.

Ambry Genetics
Classification: Likely benign for Hereditary cancer-predisposing syndrome. Last evaluated: 2024-12-10. Review status: criteria provided, single submitter. Criteria: Ambry Variant Classification Scheme 2023. Collection method: clinical testing. Allele origin: germline.

NM_000222.3(KIT):c.145C>T (p.Arg49Cys)

Gene: KIT (KIT proto-oncogene, receptor tyrosine kinase; plus strand). Cytogenetic location: 4q12.
Variant type: single nucleotide variant.
Coding change: c.145C>T on transcript NM_000222.3 (MANE Select); coding-DNA position 145, C replaced by T.
Protein change: p.Arg49Cys; replaces arginine 49 with cysteine.
Molecular consequence: missense variant.
Genome position (GRCh38, 1-based): chr4:54,695,589, C>T. VCF-style: chr4-54695589-C-T. GRCh37 (hg19) VCF-style: chr4-55561755-C-T.
Other names: c.145C>T, p.Arg49Cys (NM_001093772.2, NM_001385284.1, NM_001385285.1 and 4 more transcripts); short protein forms R49C.
Identifiers: ClinVar variation 965770 (VCV000965770.9), dbSNP rs759250095, ClinGen allele CA2923167.